The following is an entry in ClinVar:

NM_057088.3(KRT3):c.117C>T (p.Gly39=)

Gene: KRT3 (keratin 3; minus strand). Cytogenetic location: 12q13.13.
Variant type: single nucleotide variant.
Coding change: c.117C>T on transcript NM_057088.3 (MANE Select); coding-DNA position 117, C replaced by T.
Protein change: p.Gly39=; no amino-acid change (glycine 39 retained).
Molecular consequence: synonymous variant.
Genome position (GRCh38, 1-based): chr12:52,795,926, G>A on the plus strand (C>T on the coding strand, the complement: KRT3 is on the minus strand). VCF-style: chr12-52795926-G-A. GRCh37 (hg19) VCF-style: chr12-53189710-G-A.
Identifiers: ClinVar variation 747711 (VCV000747711.5), dbSNP rs372694149, ClinGen allele CA6588302.

ClinVar aggregate classification (germline): Likely benign. Review status: criteria provided, multiple submitters, no conflicts (2 of 4 stars). 2 submissions from 2 submitters: Likely benign (2). Last evaluated 2025-12-11.

Conditions:
KRT3-related disorder. Also called: KRT3-related condition.

Allele frequency attached by ClinVar (database versions not stated): ExAC 0.00009; gnomAD exomes 0.00009; TOPMed 0.00017; gnomAD 0.00021 and 0.00024; ESP Exome Variant Server 0.00031.

Submissions (2):

PreventionGenetics, part of Exact Sciences
Classification: Likely benign for KRT3-related condition. Last evaluated: 2025-12-11. Review status: criteria provided, single submitter. Criteria: ACMG Guidelines, 2015. Collection method: clinical testing. Allele origin: germline.
Comment: This variant is classified as likely benign based on ACMG/AMP sequence variant interpretation guidelines (Richards et al. 2015 PMID: 25741868, with internal and published modifications).

Labcorp Genetics (formerly Invitae), Labcorp
Classification: Likely benign. Last evaluated: 2025-06-04. Review status: criteria provided, single submitter. Criteria: Invitae Variant Classification Sherloc (09022015). Collection method: clinical testing. Allele origin: germline.